The following is an entry in ClinVar:

ClinVar aggregate classification (germline): Uncertain significance. Review status: criteria provided, multiple submitters, no conflicts (2 of 4 stars). 2 submissions from 2 submitters: Uncertain significance (2). Last evaluated 2024-10-09.

Conditions:
Hereditary cancer-predisposing syndrome. Also called: Neoplastic Syndromes, Hereditary; Tumor predisposition; Hereditary neoplastic syndrome; Hereditary Cancer Syndrome. Identifiers: Orphanet 140162, MedGen C0027672, MeSH D009386, MONDO:0015356.
Rhabdoid tumor predisposition syndrome 2 (RTPS2). Identifiers: Orphanet 231108, Orphanet 69077, MedGen C2750074, MONDO:0013224, OMIM 613325.

Submissions (2):

Labcorp Genetics (formerly Invitae), Labcorp
Classification: Uncertain significance for Rhabdoid tumor predisposition syndrome 2. Last evaluated: 2024-10-09. Review status: criteria provided, single submitter. Criteria: Invitae Variant Classification Sherloc (09022015). Collection method: clinical testing. Allele origin: germline.
Comment: This sequence change replaces asparagine, which is neutral and polar, with aspartic acid, which is acidic and polar, at codon 772 of the SMARCA4 protein (p.Asn772Asp). This variant is not present in population databases (gnomAD no frequency). This variant has not been reported in the literature in individuals affected with SMARCA4-related conditions. ClinVar contains an entry for this variant (Variation ID: 1389076). Invitae Evidence Modeling of protein sequence and biophysical properties (such as structural, functional, and spatial information, amino acid conservation, physicochemical variation, residue mobility, and thermodynamic stability) indicates that this missense variant is expected to disrupt SMARCA4 protein function with a positive predictive value of 95%. In summary, the available evidence is currently insufficient to determine the role of this variant in disease. Therefore, it has been classified as a Variant of Uncertain Significance.

Ambry Genetics
Classification: Uncertain significance for Hereditary cancer-predisposing syndrome. Last evaluated: 2020-09-24. Review status: criteria provided, single submitter. Criteria: Ambry Variant Classification Scheme 2023. Collection method: clinical testing. Allele origin: germline.
Comment: The p.N772D variant (also known as c.2314A>G), located in coding exon 15 of the SMARCA4 gene, results from an A to G substitution at nucleotide position 2314. The asparagine at codon 772 is replaced by aspartic acid, an amino acid with highly similar properties. This amino acid position is highly conserved in available vertebrate species. In addition, the in silico prediction for this alteration is inconclusive. Since supporting evidence is limited at this time, the clinical significance of this alteration remains unclear.

NM_003072.5(SMARCA4):c.2314A>G (p.Asn772Asp)

Gene: SMARCA4 (SWI/SNF related BAF chromatin remodeling complex subunit ATPase 4; plus strand). Cytogenetic location: 19p13.2.
Variant type: single nucleotide variant.
Coding change: c.2314A>G on transcript NM_003072.5 (MANE Select); coding-DNA position 2314, A replaced by G.
Protein change: p.Asn772Asp; replaces asparagine 772 with aspartic acid.
Molecular consequence: missense variant. On other transcripts: non-coding transcript variant (1).
Genome position (GRCh38, 1-based): chr19:11,012,988, A>G. VCF-style: chr19-11012988-A-G. GRCh37 (hg19) VCF-style: chr19-11123664-A-G.
Other names: c.2314A>G, p.Asn772Asp (NM_001128844.3, NM_001128845.2, NM_001128846.2 and 5 more transcripts); short protein forms N772D.
Identifiers: ClinVar variation 1389076 (VCV001389076.8), dbSNP rs2146277781, ClinGen allele CA404053086.